The following is an entry in ClinVar:

NM_001276270.2(MBD4):c.169dup (p.Arg57fs)

Gene: MBD4 (methyl-CpG binding domain 4, DNA glycosylase; minus strand). Cytogenetic location: 3q21.3.
Variant type: Duplication.
Coding change: c.169dup on transcript NM_001276270.2 (MANE Select); coding-DNA position 169, one base duplicated (A; older notation c.169dupA).
Protein change: p.Arg57fs; shifts the reading frame from arginine 57.
Molecular consequence: frameshift variant.
Genome position (GRCh38, 1-based): chr3:129,437,886, T duplicated on the plus strand (A on the coding strand, the reverse complement: MBD4 is on the minus strand); the first of 5 consecutive T bases (chr3:129,437,886-129,437,890); duplicating any one gives the same sequence. VCF-style (leftmost placement, unchanged base first): chr3-129437885-C-CT. GRCh37 (hg19) VCF-style: chr3-129156728-C-CT.
Other names: c.169dup, p.Arg57fs (NM_001276271.2, NM_001276272.2, NM_001276273.2 and 1 more transcripts); short protein forms R57fs.
Identifiers: ClinVar variation 3654856 (VCV003654856.2).

ClinVar aggregate classification (germline): Pathogenic (1 of 4 stars; one submission).

Submission:

Labcorp Genetics (formerly Invitae), Labcorp
Classification: Pathogenic. Last evaluated: 2025-09-20. Review status: criteria provided, single submitter. Criteria: Invitae Variant Classification Sherloc (09022015). Collection method: clinical testing. Allele origin: germline.
Comment: This sequence change creates a premature translational stop signal (p.Arg57Lysfs*4) in the MBD4 gene. It is expected to result in an absent or disrupted protein product. Loss-of-function variants in MBD4 are known to be pathogenic (PMID: 30049810, 35460607). This variant is not present in population databases (gnomAD no frequency). This variant has not been reported in the literature in individuals affected with MBD4-related conditions. ClinVar contains an entry for this variant (Variation ID: 3654856). For these reasons, this variant has been classified as Pathogenic.

Literature cited by the submitters: PubMed 30049810; PubMed 35460607.